The following is an entry in ClinVar:

NM_004380.3(CREBBP):c.927C>T (p.Thr309=)

Gene: CREBBP (CREB binding lysine acetyltransferase; minus strand). Cytogenetic location: 16p13.3.
Variant type: single nucleotide variant.
Coding change: c.927C>T on transcript NM_004380.3 (MANE Select); coding-DNA position 927, C replaced by T.
Protein change: p.Thr309=; no amino-acid change (threonine 309 retained).
Molecular consequence: synonymous variant.
Genome position (GRCh38, 1-based): chr16:3,810,651, G>A on the plus strand (C>T on the coding strand, the complement: CREBBP is on the minus strand). VCF-style: chr16-3810651-G-A. GRCh37 (hg19) VCF-style: chr16-3860652-G-A.
Other names: c.927C>T, p.Thr309= (NM_001079846.1).
Identifiers: ClinVar variation 1253974 (VCV001253974.6), dbSNP rs575297081, ClinGen allele CA7870564.

ClinVar aggregate classification (germline): Likely benign. Review status: criteria provided, multiple submitters, no conflicts (2 of 4 stars). 3 submissions from 3 submitters: Likely benign (2). 1 of the submissions does not count toward it. Last evaluated 2025-09-07.

Conditions:
CREBBP-related disorder. Also called: CREBBP-related disorders; CREBBP-related condition.
Rubinstein-Taybi syndrome (RSTS). Identifiers: Orphanet 783, MedGen C0035934, MONDO:0019188.

Allele frequency attached by ClinVar (database versions not stated): 1000 Genomes Project 30x 0.00016; 1000 Genomes Project 0.00020.
gnomAD v4.1: 25 of 1,613,858 alleles (0.0015%); highest among the groups gnomAD compares: African/African-American, 0.021%; no homozygotes.

Submissions (3):

Labcorp Genetics (formerly Invitae), Labcorp
Classification: Likely benign for Rubinstein-Taybi syndrome. Last evaluated: 2025-09-07. Review status: criteria provided, single submitter. Criteria: Invitae Variant Classification Sherloc (09022015). Collection method: clinical testing. Allele origin: germline.

GeneDx
Classification: Likely benign. Last evaluated: 2020-09-02. Review status: criteria provided, single submitter. Criteria: GeneDx Variant Classification Process June 2021. Collection method: clinical testing. Allele origin: germline. Affected: yes.

PreventionGenetics, part of Exact Sciences
Classification: Likely benign for CREBBP-related condition. Last evaluated: 2022-03-31. Review status: no assertion criteria provided. Collection method: clinical testing. Allele origin: germline. Not counted in ClinVar's aggregate classification.
Comment: This variant is classified as likely benign based on ACMG/AMP sequence variant interpretation guidelines (Richards et al. 2015 PMID: 25741868, with internal and published modifications).